The following is an entry in ClinVar:

NM_001077653.2(TBX20):c.507G>T (p.Trp169Cys)

Gene: TBX20 (T-box transcription factor 20; minus strand). Cytogenetic location: 7p14.2.
Variant type: single nucleotide variant.
Coding change: c.507G>T on transcript NM_001077653.2 (MANE Select); coding-DNA position 507, G replaced by T.
Protein change: p.Trp169Cys; replaces tryptophan 169 with cysteine.
Molecular consequence: missense variant.
Genome position (GRCh38, 1-based): chr7:35,248,715, C>A on the plus strand (G>T on the coding strand, the complement: TBX20 is on the minus strand). VCF-style: chr7-35248715-C-A. GRCh37 (hg19) VCF-style: chr7-35288327-C-A.
Other names: c.507G>T, p.Trp169Cys (NM_001166220.1); short protein forms W169C.
Identifiers: ClinVar variation 4742022 (VCV004742022.2).
Genomic context (GRCh38, chr7:35,248,715, plus strand): 5'-TGAAAAATCTGGAGGCACGAACCTGGCTGGCAACGGCGGGTCGGCCTTGCCAGCCACCAG[C>A]CAGGAGGACCGGTGGTAGGCGTAGCGGTACCTCTTGTTGTCCACAGGGACGATGTCCATC-3'
Protein context (NP_001071121.1, residues 159-179): RYRYAYHRSS[Trp169Cys]LVAGKADPPL

ClinVar aggregate classification (germline): Uncertain significance. Review status: criteria provided, multiple submitters, no conflicts (2 of 4 stars). 2 submissions from 2 submitters: Uncertain significance (2). Last evaluated 2026-01-16.

Conditions:
Cardiovascular phenotype. Identifiers: MedGen CN230736.

Submissions (2):

Ambry Genetics
Classification: Uncertain significance for Cardiovascular phenotype. Last evaluated: 2026-01-16. Review status: criteria provided, single submitter. Criteria: Ambry Variant Classification Scheme 2023. Collection method: clinical testing. Allele origin: germline.
Comment: The p.W169C variant (also known as c.507G>T), located in coding exon 3 of the TBX20 gene, results from a G to T substitution at nucleotide position 507. The tryptophan at codon 169 is replaced by cysteine, an amino acid with highly dissimilar properties. This amino acid position is conserved. In addition, this alteration is predicted to be deleterious by in silico analysis. Based on the available evidence, the clinical significance of this variant remains unclear.

Labcorp Genetics (formerly Invitae), Labcorp
Classification: Uncertain significance. Last evaluated: 2025-05-14. Review status: criteria provided, single submitter. Criteria: Invitae Variant Classification Sherloc (09022015). Collection method: clinical testing. Allele origin: germline.
Comment: This sequence change replaces tryptophan, which is neutral and slightly polar, with cysteine, which is neutral and slightly polar, at codon 169 of the TBX20 protein (p.Trp169Cys). This variant is not present in population databases (gnomAD no frequency). This variant has not been reported in the literature in individuals affected with TBX20-related conditions. Invitae Evidence Modeling of protein sequence and biophysical properties (such as structural, functional, and spatial information, amino acid conservation, physicochemical variation, residue mobility, and thermodynamic stability) indicates that this missense variant is expected to disrupt TBX20 protein function with a positive predictive value of 80%. In summary, the available evidence is currently insufficient to determine the role of this variant in disease. Therefore, it has been classified as a Variant of Uncertain Significance.